The following is an entry in ClinVar:

NM_004667.6(HERC2):c.11914A>G (p.Lys3972Glu)

Gene: HERC2 (HECT and RLD domain containing E3 ubiquitin protein ligase 2; minus strand). Cytogenetic location: 15q13.1.
Variant type: single nucleotide variant.
Coding change: c.11914A>G on transcript NM_004667.6 (MANE Select); coding-DNA position 11914, A replaced by G.
Protein change: p.Lys3972Glu; replaces lysine 3972 with glutamic acid.
Molecular consequence: missense variant.
Genome position (GRCh38, 1-based): chr15:28,141,533, T>C on the plus strand (A>G on the coding strand, the complement: HERC2 is on the minus strand). VCF-style: chr15-28141533-T-C. GRCh37 (hg19) VCF-style: chr15-28386679-T-C.
Other names: c.11914A>G (NM_004667.4); short protein forms K3972E.
Identifiers: ClinVar variation 1316023 (VCV001316023.3), dbSNP rs1254512466, ClinGen allele CA391381340.
Genomic context (GRCh38, chr15:28,141,533, plus strand): 5'-CGATTAACTGCACGGGTCTGAGAGTTGCAAGGGCTTCACAGGGAGTGGGAACTTTGACTT[T>C]TGCGCCTTCAATGCCCCCGAGCTGGCCCCTGTGATTATGTCCCCATCCATAAATTGTTCC-3'
Protein context (NP_004658.3, residues 3962-3982): RGQLGGIEGA[Lys3972Glu]VKVPTPCEAL

ClinVar aggregate classification (germline): Uncertain significance. Review status: criteria provided, multiple submitters, no conflicts (2 of 4 stars). 2 submissions from 2 submitters: Uncertain significance (2). Last evaluated 2025-08-20.

Conditions:
Inborn genetic diseases. Identifiers: MedGen C0950123, MeSH D030342.

Allele frequency attached by ClinVar (database versions not stated): TOPMed below 0.00001; gnomAD 0.00001; gnomAD exomes 0.00001.
gnomAD v4.1: 10 of 1,614,046 alleles (0.00062%); highest among the groups gnomAD compares: East Asian, 0.0022%; no homozygotes.

Submissions (2):

Ambry Genetics
Classification: Uncertain significance for Inborn genetic diseases. Last evaluated: 2025-08-20. Review status: criteria provided, single submitter. Criteria: Ambry Variant Classification Scheme 2023. Collection method: clinical testing. Allele origin: germline.

GeneDx
Classification: Uncertain significance. Last evaluated: 2019-12-06. Review status: criteria provided, single submitter. Criteria: GeneDx Variant Classification Process June 2021. Collection method: clinical testing. Allele origin: germline. Affected: yes.
Comment: Not observed in large population cohorts (Lek et al., 2016); In silico analysis, which includes protein predictors and evolutionary conservation, supports a deleterious effect; Has not been previously published as pathogenic or benign to our knowledge